The following is an entry in ClinVar:

ClinVar aggregate classification (germline): Uncertain significance (1 of 4 stars; one submission).

Conditions:
Spastic paraplegia. Identifiers: MedGen C0037772, HP:0001258.

Allele frequency attached by ClinVar (database versions not stated): gnomAD exomes below 0.00001.
gnomAD v4.1: 4 of 1,566,434 alleles (0.00026%); highest among the groups gnomAD compares: Non-Finnish European, 0.00035%; no homozygotes.

Submission:

Labcorp Genetics (formerly Invitae), Labcorp
Classification: Uncertain significance for Spastic paraplegia. Last evaluated: 2021-08-06. Review status: criteria provided, single submitter. Criteria: Invitae Variant Classification Sherloc (09022015). Collection method: clinical testing. Allele origin: germline.
Comment: This sequence change replaces leucine with phenylalanine at codon 362 of the FA2H protein (p.Leu362Phe). The leucine residue is highly conserved and there is a small physicochemical difference between leucine and phenylalanine. This variant is not present in population databases (ExAC no frequency). This variant has not been reported in the literature in individuals affected with FA2H-related conditions. Advanced modeling of protein sequence and biophysical properties (such as structural, functional, and spatial information, amino acid conservation, physicochemical variation, residue mobility, and thermodynamic stability) performed at Invitae indicates that this missense variant is not expected to disrupt FA2H protein function. In summary, the available evidence is currently insufficient to determine the role of this variant in disease. Therefore, it has been classified as a Variant of Uncertain Significance.

NM_024306.5(FA2H):c.1084C>T (p.Leu362Phe)

Gene: FA2H (fatty acid 2-hydroxylase; minus strand). Cytogenetic location: 16q23.1.
Variant type: single nucleotide variant.
Coding change: c.1084C>T on transcript NM_024306.5 (MANE Select); coding-DNA position 1084, C replaced by T.
Protein change: p.Leu362Phe; replaces leucine 362 with phenylalanine.
Molecular consequence: missense variant.
Genome position (GRCh38, 1-based): chr16:74,714,225, G>A on the plus strand (C>T on the coding strand, the complement: FA2H is on the minus strand). VCF-style: chr16-74714225-G-A. GRCh37 (hg19) VCF-style: chr16-74748123-G-A.
Other names: short protein forms L362F.
Identifiers: ClinVar variation 1448685 (VCV001448685.6), dbSNP rs2144598918, ClinGen allele CA396768691.
Genomic context (GRCh38, chr16:74,714,225, plus strand): 5'-GGCAGGACGGAGGGGGTGGGAGTTGTCACTGCGTCTTCAGGTGGGGTTTCTCTGGAGTGA[G>A]GGTGTGGAAACAGTAATCCCACAATTTAGTGCTGATACCAAATCCTAGAGAGGGAGACAA-3'
Protein context (NP_077282.3, residues 352-372): TKLWDYCFHT[Leu362Phe]TPEKPHLKTQ